The following is an entry in ClinVar:

NM_004630.4(SF1):c.1061C>A (p.Pro354His)

Gene: SF1 (splicing factor 1; minus strand). Cytogenetic location: 11q13.1.
Variant type: single nucleotide variant.
Coding change: c.1061C>A on transcript NM_004630.4 (MANE Select); coding-DNA position 1061, C replaced by A.
Protein change: p.Pro354His; replaces proline 354 with histidine.
Molecular consequence: missense variant.
Genome position (GRCh38, 1-based): chr11:64,768,113, G>T on the plus strand (C>A on the coding strand, the complement: SF1 is on the minus strand). VCF-style: chr11-64768113-G-T. GRCh37 (hg19) VCF-style: chr11-64535585-G-T.
Other names: c.1436C>A, p.Pro479His (NM_001178030.2, NM_001378956.1, NM_001378957.1 and 2 more transcripts); c.983C>A, p.Pro328His (NM_001178031.3, NM_001440584.1, NM_001440585.1); c.1061C>A, p.Pro354His (NM_001346363.2, NM_001346364.2, NM_001440582.1 and 4 more transcripts); c.716C>A, p.Pro239His (NM_001346409.2, NM_001346410.2); short protein forms P239H, P328H, P354H, P479H.
Identifiers: ClinVar variation 4891218 (VCV004891218.1).
Genomic context (GRCh38, chr11:64,768,113, plus strand): 5'-TCTGCAGTAGAGAATGGGGAAGCCAGACCAAGAGAGCCAGCCCCCAGGCTCACCGGTGGA[G>T]GTGGGTTGTTGGCGGGAGCAGCAGGACGAGGTGCGCTGGCCAGGGGTGTGGTGGCAGGCC-3'
Protein context (NP_004621.2, residues 344-364): PRPAAPANNP[Pro354His]PPSLMSTTQS

ClinVar aggregate classification (germline): Uncertain significance (1 of 4 stars; one submission).

Submission:

Greenwood Genetic Center Diagnostic Laboratories, Greenwood Genetic Center
Classification: Uncertain significance. Last evaluated: 2026-04-13. Review status: criteria provided, single submitter. Criteria: ACMG Guidelines, 2015. Collection method: clinical testing. Allele origin: germline.
Comment: PM2, BP4, PP2